The following is an entry in ClinVar:

NM_001032283.3(TMPO):c.308G>C (p.Arg103Thr)

Gene: TMPO (thymopoietin; plus strand). Cytogenetic location: 12q23.1.
Variant type: single nucleotide variant.
Coding change: c.308G>C on transcript NM_001032283.3 (MANE Select); coding-DNA position 308, G replaced by C.
Protein change: p.Arg103Thr; replaces arginine 103 with threonine.
Molecular consequence: missense variant.
Genome position (GRCh38, 1-based): chr12:98,527,914, G>C. VCF-style: chr12-98527914-G-C. GRCh37 (hg19) VCF-style: chr12-98921692-G-C.
Other names: c.308G>C, p.Arg103Thr (NM_001032284.3, NM_001307975.2, NM_003276.2); short protein forms R103T.
Identifiers: ClinVar variation 2864179 (VCV002864179.3), dbSNP rs1361401032, ClinGen allele CA386150754.

ClinVar aggregate classification (germline): Uncertain significance (1 of 4 stars; one submission).

Conditions:
Loeys-Dietz syndrome 2 (LDS2). Also called: TGFBR2-Related Loeys-Dietz Syndrome; Marfan syndrome, type 2 (formerly); AORTIC ANEURYSM, FAMILIAL THORACIC 3; MARFAN SYNDROME, TYPE II; Marfan Syndrome type 2; Marfan like connective tissue disorder. Identifiers: Orphanet 284973, Orphanet 558, MedGen C2674574, MONDO:0012427, OMIM 610168.

gnomAD v4.1: 1 of 1,613,824 alleles (0.000062%); highest among the groups gnomAD compares: Non-Finnish European, 0.000085%; no homozygotes.

Submission:

Labcorp Genetics (formerly Invitae), Labcorp
Classification: Uncertain significance for Loeys-Dietz syndrome 2. Last evaluated: 2023-05-14. Review status: criteria provided, single submitter. Criteria: Invitae Variant Classification Sherloc (09022015). Collection method: clinical testing. Allele origin: germline.
Comment: In summary, the available evidence is currently insufficient to determine the role of this variant in disease. Therefore, it has been classified as a Variant of Uncertain Significance. An algorithm developed to predict the effect of missense changes on protein structure and function (PolyPhen-2) suggests that this variant is likely to be disruptive. This variant has not been reported in the literature in individuals affected with TMPO-related conditions. This variant is not present in population databases (gnomAD no frequency). This sequence change replaces arginine, which is basic and polar, with threonine, which is neutral and polar, at codon 103 of the TMPO protein (p.Arg103Thr).